The following is an entry in ClinVar:

NM_001110556.2(FLNA):c.2026_2041del (p.Lys676fs)

Gene: FLNA (filamin A; minus strand). Cytogenetic location: Xq28.
Variant type: Deletion.
Coding change: c.2026_2041del on transcript NM_001110556.2 (MANE Select); coding-DNA positions 2026 to 2041, 16 bases deleted (AAGGCACGTGGGCCTG).
Protein change: p.Lys676fs; shifts the reading frame from lysine 676.
Molecular consequence: frameshift variant.
Genome position (GRCh38, 1-based): chrX:154,364,354-154,364,369, CAGGCCCACGTGCCTT deleted on the plus strand (AAGGCACGTGGGCCTG on the coding strand, the reverse complement: FLNA is on the minus strand); deleting any 16 consecutive bases within chrX:154,364,354-154,364,371 gives the same sequence; the c. name uses the placement nearest the transcript's 3' end. VCF-style (leftmost placement, unchanged base first): chrX-154364353-CCAGGCCCACGTGCCTT-C. GRCh37 (hg19) VCF-style: chrX-153592721-CCAGGCCCACGTGCCTT-C.
Other names: c.2026_2041del, p.Lys676fs (NM_001456.4); short protein forms K676fs.
Identifiers: ClinVar variation 2630135 (VCV002630135.1), dbSNP rs2522753919, ClinGen allele CA2695197202.
Genomic context (GRCh38, chrX:154,364,353, plus strand): 5'-TGCTTGGCATCCACTGTGAACTCTGCTGGCTTGTTGACGGCCACACCTGTCTTCTCCAAT[CCAGGCCCACGTGCCTT>C]CACCTAGCGGGAGACCACCCAGCTGTCAGGGGGCCAGGTCCAGGCTGCCAGAGCTACAAC-3'

ClinVar aggregate classification (germline): Likely pathogenic (1 of 4 stars; one submission).

Conditions:
FLNA-related disorder.

Submission:

PreventionGenetics, part of Exact Sciences
Classification: Likely pathogenic for FLNA-related condition. Last evaluated: 2023-02-20. Review status: criteria provided, single submitter. Criteria: ACMG Guidelines, 2015. Collection method: clinical testing. Allele origin: germline.
Comment: The FLNA c.2026_2041del16 variant is predicted to result in a frameshift and premature protein termination (p.Lys676Aspfs*61). To our knowledge, this variant has not been reported in the literature or in a large population database, indicating this variant is rare. Frameshift variants in FLNA are expected to be pathogenic. This variant is interpreted as likely pathogenic.